The following is an entry in ClinVar:

NC_000016.10:g.(?_78099759)_(78099909_?)del

Gene: WWOX (WW domain containing oxidoreductase; plus strand). Cytogenetic location: 16q23.1.
Variant type: Deletion.
Identifiers: ClinVar variation 831561 (VCV000831561.7).

ClinVar aggregate classification (germline): Pathogenic (1 of 4 stars; one submission).

Conditions:
Autosomal recessive spinocerebellar ataxia 12. Also called: SPINOCEREBELLAR ATAXIA WITH MENTAL RETARDATION AND EPILEPSY. Identifiers: Orphanet 284282, MedGen C3280452, MONDO:0013687, OMIM 614322.
Developmental and epileptic encephalopathy, 1 (DEE1). Also called: INFANTILE SPASM SYNDROME, X-LINKED 1; X-linked infantile spasms; West's syndrome; Tonic spasms with clustering, arrest of psychomotor development and hypsarrhythmia on EEG; X-Linked Infantile Spasm Syndrome; OHTAHARA SYNDROME, X-LINKED. Identifiers: MedGen C3463992, MONDO:0010632, OMIM 308350. Disease mechanism: loss of function.

Submission:

Labcorp Genetics (formerly Invitae), Labcorp
Classification: Pathogenic for Developmental and epileptic encephalopathy, 1; Autosomal recessive spinocerebellar ataxia 12. Last evaluated: 2019-12-27. Review status: criteria provided, single submitter. Criteria: Invitae Variant Classification Sherloc (09022015). Collection method: clinical testing. Allele origin: germline.
Comment: This variant has not been reported in the literature in individuals with WWOX-related conditions. For these reasons, this variant has been classified as Pathogenic. Loss-of-function variants in WWOX are known to be pathogenic (PMID: 24456803, 25411445). This variant is a gross deletion of the genomic region encompassing exon 1 of the WWOX gene, which includes the initiator codon. The 5' end of this event is unknown as it extends beyond the assayed region for this gene and therefore may encompass additional genes. The 3' boundary is likely confined to intron 1 of the WWOX gene. This is expected to result in an absent or disrupted protein product.

Literature cited by the submitters: PubMed 24456803; PubMed 25411445.